The following is an entry in ClinVar:

NM_017841.4(SDHAF2):c.426_428del (p.Phe143del)

Gene: SDHAF2 (succinate dehydrogenase complex assembly factor 2; plus strand). Cytogenetic location: 11q12.2.
Variant type: Deletion.
Coding change: c.426_428del on transcript NM_017841.4 (MANE Select); coding-DNA positions 426 to 428, 3 bases deleted (CTT; older notation c.426_428delCTT).
Protein change: p.Phe143del; deletes phenylalanine 143.
Genome position (GRCh38, 1-based): chr11:61,445,996-61,445,998, CTT deleted. VCF-style (leftmost placement, unchanged base first): chr11-61445995-ACTT-A. GRCh37 (hg19) VCF-style: chr11-61213467-ACTT-A.
Other names: short protein forms F143del.
Identifiers: ClinVar variation 3704878 (VCV003704878.3).

ClinVar aggregate classification (germline): Uncertain significance. Review status: criteria provided, multiple submitters, no conflicts (2 of 4 stars). 2 submissions from 2 submitters: Uncertain significance (2). Last evaluated 2025-07-09.

Conditions:
Hereditary pheochromocytoma and paraganglioma. Also called: Hereditary paragangliomas and pheochromocytomas; Hereditary Paraganglioma-Pheochromocytoma Syndromes; Hereditary pheochromocytoma-paraganglioma. Identifiers: Orphanet 29072, MedGen C4274332, MONDO:0017366.

Submissions (2):

Color Diagnostics, LLC DBA Color Health
Classification: Uncertain significance for Hereditary pheochromocytoma and paraganglioma. Last evaluated: 2025-07-09. Review status: criteria provided, single submitter. Criteria: ACMG Guidelines, 2015. Collection method: clinical testing. Allele origin: germline.
Comment: This variant causes the deletion of a single amino acid at codon 143 in the SDHAF2 protein. To our knowledge, functional studies have not been reported for this variant. This variant has not been reported in individuals affected with SDHAF2-related disorders in the literature. This variant has not been identified in the general population by the Genome Aggregation Database (gnomAD). The available evidence is insufficient to determine the role of this variant in disease conclusively. Therefore, this variant is classified as a Variant of Uncertain Significance.

Labcorp Genetics (formerly Invitae), Labcorp
Classification: Uncertain significance for Hereditary pheochromocytoma and paraganglioma. Last evaluated: 2024-08-07. Review status: criteria provided, single submitter. Criteria: Invitae Variant Classification Sherloc (09022015). Collection method: clinical testing. Allele origin: germline.
Comment: This variant, c.426_428del, results in the deletion of 1 amino acid(s) of the SDHAF2 protein (p.Phe143del), but otherwise preserves the integrity of the reading frame. This variant is not present in population databases (gnomAD no frequency). This variant has not been reported in the literature in individuals affected with SDHAF2-related conditions. Experimental studies and prediction algorithms are not available or were not evaluated, and the functional significance of this variant is currently unknown. In summary, the available evidence is currently insufficient to determine the role of this variant in disease. Therefore, it has been classified as a Variant of Uncertain Significance.